The following is an entry in ClinVar:

ClinVar aggregate classification (germline): Uncertain significance. Review status: criteria provided, multiple submitters, no conflicts (2 of 4 stars). 3 submissions from 3 submitters: Uncertain significance (3). Last evaluated 2026-04-23.

Conditions:
Hereditary cancer-predisposing syndrome. Also called: Hereditary neoplastic syndrome; Neoplastic Syndromes, Hereditary; Tumor predisposition; Hereditary Cancer Syndrome. Identifiers: Orphanet 140162, MedGen C0027672, MeSH D009386, MONDO:0015356.

Submissions (3):

Ambry Genetics
Classification: Uncertain significance for Hereditary cancer-predisposing syndrome. Last evaluated: 2026-04-23. Review status: criteria provided, single submitter. Criteria: Ambry Variant Classification Scheme 2023. Collection method: clinical testing. Allele origin: germline.
Comment: The p.G697R variant (also known as c.2089G>A), located in coding exon 15 of the MSH3 gene, results from a G to A substitution at nucleotide position 2089. The glycine at codon 697 is replaced by arginine, an amino acid with dissimilar properties. This amino acid position is highly conserved in available vertebrate species. In silico splice site analysis predicts that this alteration may weaken the native splice acceptor site; however, direct evidence is insufficient at this time (Ambry internal data). In addition, this alteration is predicted to be deleterious by in silico analysis. Based on the available evidence, the clinical significance of this variant remains unclear.

Center for Genomic Medicine, Rigshospitalet, Copenhagen University Hospital
Classification: Uncertain significance. Last evaluated: 2025-03-04. Review status: criteria provided, single submitter. Criteria: ACMG Guidelines, 2015. Collection method: clinical testing. Allele origin: germline.

Labcorp Genetics (formerly Invitae), Labcorp
Classification: Uncertain significance. Last evaluated: 2020-10-14. Review status: criteria provided, single submitter. Criteria: Invitae Variant Classification Sherloc (09022015). Collection method: clinical testing. Allele origin: germline.
Comment: In summary, the available evidence is currently insufficient to determine the role of this variant in disease. Therefore, it has been classified as a Variant of Uncertain Significance. Algorithms developed to predict the effect of missense changes on protein structure and function do not agree on the potential impact of this missense change (SIFT: "Tolerated"; PolyPhen-2: "Probably Damaging"; Align-GVGD: "Class C0"). This sequence change replaces glycine with arginine at codon 697 of the MSH3 protein (p.Gly697Arg). The glycine residue is moderately conserved and there is a moderate physicochemical difference between glycine and arginine. This variant is not present in population databases (ExAC no frequency). This variant has not been reported in the literature in individuals with MSH3-related disease.

NM_002439.5(MSH3):c.2089G>A (p.Gly697Arg)

Gene: MSH3 (mutS homolog 3; plus strand). Cytogenetic location: 5q14.1.
Variant type: single nucleotide variant.
Coding change: c.2089G>A on transcript NM_002439.5 (MANE Select); coding-DNA position 2089, G replaced by A.
Protein change: p.Gly697Arg; replaces glycine 697 with arginine.
Molecular consequence: missense variant.
Genome position (GRCh38, 1-based): chr5:80,768,839, G>A. VCF-style: chr5-80768839-G-A. GRCh37 (hg19) VCF-style: chr5-80064658-G-A.
Other names: c.2089G>A (NM_002439.3); short protein forms G697R.
Identifiers: ClinVar variation 1058081 (VCV001058081.12), dbSNP rs2112885086, ClinGen allele CA360279168.